The following is an entry in ClinVar:

NM_001853.4(COL9A3):c.413G>A (p.Arg138His)

Gene: COL9A3 (collagen type IX alpha 3 chain; plus strand). Cytogenetic location: 20q13.33.
Variant type: single nucleotide variant.
Coding change: c.413G>A on transcript NM_001853.4 (MANE Select); coding-DNA position 413, G replaced by A.
Protein change: p.Arg138His; replaces arginine 138 with histidine.
Molecular consequence: missense variant.
Genome position (GRCh38, 1-based): chr20:62,821,800, G>A. VCF-style: chr20-62821800-G-A. GRCh37 (hg19) VCF-style: chr20-61453152-G-A.
Other names: c.413G>A (NM_001853.3); short protein forms R138H.
Identifiers: ClinVar variation 1088772 (VCV001088772.14), dbSNP rs199846937, ClinGen allele CA9949237.

ClinVar aggregate classification (germline): Conflicting classifications of pathogenicity. Review status: criteria provided, conflicting classifications (1 of 4 stars). 4 submissions from 4 submitters: Uncertain significance (1); Likely benign (2). 1 of the submissions does not count toward it. Last evaluated 2026-01-24.

Conditions:
Inborn genetic diseases. Identifiers: MedGen C0950123, MeSH D030342.
COL9A3-related disorder. Also called: COL9A3-related condition.

Allele frequency attached by ClinVar (database versions not stated): gnomAD exomes 0.00010 and 0.00018; ExAC 0.00011; gnomAD 0.00011; TOPMed 0.00011; ESP Exome Variant Server 0.00015.
gnomAD v4.1: 163 of 1,604,700 alleles (0.01%); highest among the groups gnomAD compares: East Asian, 0.025%; no homozygotes.

Submissions (4):

Labcorp Genetics (formerly Invitae), Labcorp
Classification: Likely benign. Last evaluated: 2026-01-24. Review status: criteria provided, single submitter. Criteria: Invitae Variant Classification Sherloc (09022015). Collection method: clinical testing. Allele origin: germline.

Ambry Genetics
Classification: Uncertain significance for Inborn genetic diseases. Last evaluated: 2025-06-30. Review status: criteria provided, single submitter. Criteria: Ambry Variant Classification Scheme 2023. Collection method: clinical testing. Allele origin: germline.

Women's Health and Genetics/Laboratory Corporation of America, LabCorp
Classification: Likely benign. Last evaluated: 2025-02-05. Review status: criteria provided, single submitter. Criteria: LabCorp Variant Classification Summary - May 2015. Collection method: clinical testing. Allele origin: germline.
Comment: Variant summary: COL9A3 c.413G>A (p.Arg138His) results in a non-conservative amino acid change in the encoded protein sequence. Five of five in-silico tools predict a damaging effect of the variant on protein function. The variant allele was found at a frequency of 0.0001 in 1604700 control chromosomes, predominantly at a frequency of 0.0033 within the Ashkenazi Jewish subpopulation in the gnomAD database. The observed variant frequency within Ashkenazi Jewish control individuals in the gnomAD database exceeds the estimated maximal expected allele frequency for a pathogenic variant in COL9A3 causing Epiphyseal Dysplasia, Multiple, 3 phenotype. To our knowledge, no occurrence of c.413G>A in individuals affected with Epiphyseal Dysplasia, Multiple, 3 and no experimental evidence demonstrating its impact on protein function have been reported. ClinVar contains an entry for this variant (Variation ID: 1088772). Based on the evidence outlined above, the variant was classified as likely benign.

PreventionGenetics, part of Exact Sciences
Classification: Likely benign for COL9A3-related condition. Last evaluated: 2019-09-12. Review status: no assertion criteria provided. Collection method: clinical testing. Allele origin: germline. Not counted in ClinVar's aggregate classification.
Comment: This variant is classified as likely benign based on ACMG/AMP sequence variant interpretation guidelines (Richards et al. 2015 PMID: 25741868, with internal and published modifications).